The following is an entry in ClinVar:

NM_004006.3(DMD):c.78T>G (p.Asn26Lys)

Gene: DMD (dystrophin; minus strand). Cytogenetic location: Xp21.1.
Variant type: single nucleotide variant.
Coding change: c.78T>G on transcript NM_004006.3 (MANE Select); coding-DNA position 78, T replaced by G.
Protein change: p.Asn26Lys; replaces asparagine 26 with lysine.
Molecular consequence: missense variant. On other transcripts: 5 prime UTR variant (1).
Genome position (GRCh38, 1-based): chrX:33,020,154, A>C on the plus strand (T>G on the coding strand, the complement: DMD is on the minus strand). VCF-style: chrX-33020154-A-C. GRCh37 (hg19) VCF-style: chrX-33038271-A-C.
Other names: c.54T>G, p.Asn18Lys (NM_000109.4); c.66T>G, p.Asn22Lys (NM_004009.3); c.-292T>G (NM_004010.3); c.78T>G (NM_004006.2); short protein forms N26K, N18K, N22K.
Identifiers: ClinVar variation 195210 (VCV000195210.13), dbSNP rs794727272, ClinGen allele CA241527.
Genomic context (GRCh38, chrX:33,020,154, plus strand): 5'-TTTCACAACTTAGATCTTAAAAGTAAAGTAACAAACCATTCTTACCTTAGAAAATTGTGC[A>C]TTTACCCATTTTGTGAATGTTTTCTTTTGAACATCTTCTCTTTCATCTAAAATGCAAAAT-3'
Protein context (NP_003997.2, residues 16-36): VQKKTFTKWV[Asn26Lys]AQFSKFGKQH

ClinVar aggregate classification (germline): Conflicting classifications of pathogenicity. Review status: criteria provided, conflicting classifications (1 of 4 stars). 6 submissions from 6 submitters: Likely pathogenic (1); Uncertain significance (5). Last evaluated 2024-07-16.

Conditions:
Duchenne muscular dystrophy (DMD). Also called: MUSCULAR DYSTROPHY, PSEUDOHYPERTROPHIC PROGRESSIVE, DUCHENNE TYPE; Duchenne Muscular Dystrophy (DMD). Identifiers: Orphanet 98896, MedGen C0013264, MONDO:0010679, OMIM 310200.

Submissions (6):

ARUP Laboratories, Molecular Genetics and Genomics, ARUP Laboratories
Classification: Uncertain significance. Last evaluated: 2024-07-16. Review status: criteria provided, single submitter. Criteria: ARUP Molecular Germline Variant Investigation Process 2024. Collection method: clinical testing. Allele origin: germline.
Comment: The DMD c.78T>G; p.Asn26Lys variant (rs794727272, ClinVar Variation ID: 195210) is reported in the literature in an individual included in a newborn screen, but additional phenotypic details were not provided (Nallamilli 2021). This variant is absent from the Genome Aggregation Database (v2.1.1), indicating it is not a common polymorphism. Computational analyses predict that this variant is deleterious (REVEL: 0.844). Due to limited information, the clinical significance of this variant is uncertain at this time. References: Nallamilli BRR et al. A single NGS-based assay covering the entire genomic sequence of the DMD gene facilitates diagnostic and newborn screening confirmatory testing. Hum Mutat. 2021 May;42(5):626-638. PMID: 33644936.

Labcorp Genetics (formerly Invitae), Labcorp
Classification: Uncertain significance for Duchenne muscular dystrophy. Last evaluated: 2024-03-21. Review status: criteria provided, single submitter. Criteria: Invitae Variant Classification Sherloc (09022015). Collection method: clinical testing. Allele origin: germline.
Comment: This sequence change replaces asparagine, which is neutral and polar, with lysine, which is basic and polar, at codon 26 of the DMD protein (p.Asn26Lys). This variant is not present in population databases (gnomAD no frequency). This variant has not been reported in the literature in individuals affected with DMD-related conditions. ClinVar contains an entry for this variant (Variation ID: 195210). Advanced modeling of protein sequence and biophysical properties (such as structural, functional, and spatial information, amino acid conservation, physicochemical variation, residue mobility, and thermodynamic stability) has been performed at Invitae for this missense variant, however the output from this modeling did not meet the statistical confidence thresholds required to predict the impact of this variant on DMD protein function. In summary, the available evidence is currently insufficient to determine the role of this variant in disease. Therefore, it has been classified as a Variant of Uncertain Significance.

GeneDx
Classification: Uncertain significance. Last evaluated: 2024-03-16. Review status: criteria provided, single submitter. Criteria: GeneDx Variant Classification Process June 2021. Collection method: clinical testing. Allele origin: germline. Affected: yes.
Comment: Not observed at significant frequency in large population cohorts (gnomAD); In silico analysis supports that this missense variant has a deleterious effect on protein structure/function; This variant is associated with the following publications: (PMID: 33644936)

Institute of Human Genetics Munich, TUM University Hospital
Classification: Likely pathogenic for Duchenne muscular dystrophy. Last evaluated: 2022-09-29. Review status: criteria provided, single submitter. Criteria: Classification criteria August 2017. Collection method: clinical testing. Allele origin: maternal. Inheritance: X-linked inheritance. Affected: yes. Observed: 1 variant allele.

Revvity Omics, Revvity
Classification: Uncertain significance. Last evaluated: 2019-07-16. Review status: criteria provided, single submitter. Criteria: ACMG Guidelines, 2015. Collection method: clinical testing. Allele origin: germline.

Eurofins Ntd Llc (ga)
Classification: Uncertain significance. Last evaluated: 2014-11-26. Review status: criteria provided, single submitter. Criteria: EGL Classification Definitions 2015. Collection method: clinical testing. Allele origin: germline. Observed: 1 variant allele, 1 hemizygote.